The following is an entry in ClinVar:

NM_002291.3(LAMB1):c.2713G>A (p.Asp905Asn)

Gene: LAMB1 (laminin subunit beta 1; minus strand). Cytogenetic location: 7q31.1.
Variant type: single nucleotide variant.
Coding change: c.2713G>A on transcript NM_002291.3 (MANE Select); coding-DNA position 2713, G replaced by A.
Protein change: p.Asp905Asn; replaces aspartic acid 905 with asparagine.
Molecular consequence: missense variant.
Genome position (GRCh38, 1-based): chr7:107,955,608, C>T on the plus strand (G>A on the coding strand, the complement: LAMB1 is on the minus strand). VCF-style: chr7-107955608-C-T. GRCh37 (hg19) VCF-style: chr7-107596053-C-T.
Other names: short protein forms D905N.
Identifiers: ClinVar variation 1464507 (VCV001464507.8), dbSNP rs765478571, ClinGen allele CA4435544.

ClinVar aggregate classification (germline): Uncertain significance (1 of 4 stars; one submission).

Allele frequency attached by ClinVar (database versions not stated): gnomAD exomes 0.00001; ExAC 0.00002; gnomAD 0.00002; TOPMed 0.00002.
gnomAD v4.1: 11 of 1,613,242 alleles (0.00068%); highest among the groups gnomAD compares: African/African-American, 0.0053%; no homozygotes.

Submission:

Labcorp Genetics (formerly Invitae), Labcorp
Classification: Uncertain significance. Last evaluated: 2024-12-30. Review status: criteria provided, single submitter. Criteria: Invitae Variant Classification Sherloc (09022015). Collection method: clinical testing. Allele origin: germline.
Comment: This sequence change replaces aspartic acid, which is acidic and polar, with asparagine, which is neutral and polar, at codon 905 of the LAMB1 protein (p.Asp905Asn). The frequency data for this variant in the population databases is considered unreliable, as metrics indicate poor data quality at this position in the gnomAD database. This variant has not been reported in the literature in individuals affected with LAMB1-related conditions. ClinVar contains an entry for this variant (Variation ID: 1464507). An algorithm developed to predict the effect of missense changes on protein structure and function (PolyPhen-2) suggests that this variant is likely to be tolerated. In summary, the available evidence is currently insufficient to determine the role of this variant in disease. Therefore, it has been classified as a Variant of Uncertain Significance.